The following is an entry in ClinVar:

ClinVar aggregate classification (germline): Likely benign. Review status: criteria provided, multiple submitters, no conflicts (2 of 4 stars). 4 submissions from 4 submitters: Likely benign (3). 1 of the submissions does not count toward it. Last evaluated 2025-04-01.

Conditions:
LRP1B-related disorder. Also called: LRP1B-related condition.

Allele frequency attached by ClinVar (database versions not stated): 1000 Genomes Project 0.00220; 1000 Genomes Project 30x 0.00234; ExAC 0.00346; gnomAD exomes 0.00361 and 0.00470; gnomAD 0.00368; TOPMed 0.00392; ESP Exome Variant Server 0.00454.
gnomAD v4.1: 7,452 of 1,605,892 alleles (0.46%); highest among the groups gnomAD compares: Middle Eastern, 1.5%; 35 homozygotes.

Submissions (4):

CeGaT Center for Human Genetics Tuebingen
Classification: Likely benign. Last evaluated: 2025-04-01. Review status: criteria provided, single submitter. Criteria: CeGaT Center For Human Genetics Tuebingen Variant Classification Criteria Version 2. Collection method: clinical testing. Allele origin: germline. Affected: yes. Observed: 2 variant alleles.
Comment: LRP1B: BS2

Labcorp Genetics (formerly Invitae), Labcorp
Classification: Likely benign. Last evaluated: 2019-12-31. Review status: criteria provided, single submitter. Criteria: Invitae Variant Classification Sherloc (09022015). Collection method: clinical testing. Allele origin: germline.

Breakthrough Genomics
Classification: Likely benign. Review status: criteria provided, single submitter. Criteria: ACMG Guidelines, 2015. Collection method: not provided. Allele origin: germline. Inheritance: Unknown mechanism. Affected: yes.

PreventionGenetics, part of Exact Sciences
Classification: Benign for LRP1B-related condition. Last evaluated: 2019-07-31. Review status: no assertion criteria provided. Collection method: clinical testing. Allele origin: germline. Not counted in ClinVar's aggregate classification.
Comment: This variant is classified as benign based on ACMG/AMP sequence variant interpretation guidelines (Richards et al. 2015 PMID: 25741868, with internal and published modifications).

NM_018557.3(LRP1B):c.12161A>C (p.Glu4054Ala)

Gene: LRP1B (LDL receptor related protein 1B; minus strand). Cytogenetic location: 2q22.1.
Variant type: single nucleotide variant.
Coding change: c.12161A>C on transcript NM_018557.3 (MANE Select); coding-DNA position 12161, A replaced by C.
Protein change: p.Glu4054Ala; replaces glutamic acid 4054 with alanine.
Molecular consequence: missense variant.
Genome position (GRCh38, 1-based): chr2:140,334,515, T>G on the plus strand (A>C on the coding strand, the complement: LRP1B is on the minus strand). VCF-style: chr2-140334515-T-G. GRCh37 (hg19) VCF-style: chr2-141092084-T-G.
Other names: short protein forms E4054A.
Identifiers: ClinVar variation 731073 (VCV000731073.30), dbSNP rs79879036, ClinGen allele CA1892901.